The following is an entry in ClinVar:

ClinVar aggregate classification (germline): Uncertain significance. Review status: criteria provided, single submitter (1 of 4 stars). 2 submissions from 2 submitters: Uncertain significance (1). 1 of the submissions does not count toward it. Last evaluated 2020-01-23.

Conditions:
Neurofibromatosis, type 1 (NF1). Also called: Peripheral type neurofibromatosis; VON RECKLINGHAUSEN DISEASE; NEUROFIBROMATOSIS, TYPE I, SOMATIC; Neurofibromatosis, type I. Identifiers: Orphanet 636, MedGen C0027831, MONDO:0018975, OMIM 162200. Disease mechanism: loss of function.

Submissions (2):

Labcorp Genetics (formerly Invitae), Labcorp
Classification: Uncertain significance for Neurofibromatosis, type 1. Last evaluated: 2020-01-23. Review status: criteria provided, single submitter. Criteria: Invitae Variant Classification Sherloc (09022015). Collection method: clinical testing. Allele origin: germline.
Comment: In summary, the available evidence is currently insufficient to determine the role of this variant in disease. Therefore, it has been classified as a Variant of Uncertain Significance. Algorithms developed to predict the effect of missense changes on protein structure and function are either unavailable or do not agree on the potential impact of this missense change (SIFT: "Deleterious"; PolyPhen-2: "Probably Damaging"; Align-GVGD: "Class C0"). This variant has been observed in individual(s) with clinical features of neurofibromatosis type 1 (PMID: 15146469). ClinVar contains an entry for this variant (Variation ID: 68352). This variant is not present in population databases (ExAC no frequency). This sequence change replaces isoleucine with asparagine at codon 157 of the NF1 protein (p.Ile157Asn). The isoleucine residue is moderately conserved and there is a large physicochemical difference between isoleucine and asparagine.

UniProtKB/Swiss-Prot
No classification provided. Review status: no classification provided. Collection method: not provided. Allele origin: not provided. Not counted in ClinVar's aggregate classification.

Literature cited by the submitters: PubMed 15146469 (cited by Labcorp Genetics (formerly Invitae), Labcorp).

NM_001042492.3(NF1):c.470T>A (p.Ile157Asn)

Gene: NF1 (neurofibromin 1; plus strand). Cytogenetic location: 17q11.2.
Variant type: single nucleotide variant.
Coding change: c.470T>A on transcript NM_001042492.3 (MANE Select); coding-DNA position 470, T replaced by A.
Protein change: p.Ile157Asn; replaces isoleucine 157 with asparagine.
Molecular consequence: missense variant.
Genome position (GRCh38, 1-based): chr17:31,163,367, T>A. VCF-style: chr17-31163367-T-A. GRCh37 (hg19) VCF-style: chr17-29490385-T-A.
Other names: c.470T>A, p.Ile157Asn (NM_000267.4, NM_001128147.3); short protein forms I157N.
Identifiers: ClinVar variation 68352 (VCV000068352.6), dbSNP rs199474744, ClinGen allele CA219591.